The following is an entry in ClinVar:

ClinVar aggregate classification (germline): Uncertain significance (1 of 4 stars; one submission).

Submission:

Ambry Genetics
Classification: Uncertain significance. Last evaluated: 2025-02-03. Review status: criteria provided, single submitter. Criteria: Ambry Variant Classification Scheme 2023. Collection method: clinical testing. Allele origin: germline.
Comment: The p.K584I variant (also known as c.1751A>T), located in coding exon 1 of the MLH3 gene, results from an A to T substitution at nucleotide position 1751. The lysine at codon 584 is replaced by isoleucine, an amino acid with dissimilar properties. This amino acid position is conserved. In addition, this alteration is predicted to be tolerated by in silico analysis. Based on the available evidence, the clinical significance of this variant remains unclear.

NM_001040108.2(MLH3):c.1751A>T (p.Lys584Ile)

Gene: MLH3 (mutL homolog 3; minus strand). Cytogenetic location: 14q24.3.
Variant type: single nucleotide variant.
Coding change: c.1751A>T on transcript NM_001040108.2 (MANE Select); coding-DNA position 1751, A replaced by T.
Protein change: p.Lys584Ile; replaces lysine 584 with isoleucine.
Molecular consequence: missense variant.
Genome position (GRCh38, 1-based): chr14:75,047,905, T>A on the plus strand (A>T on the coding strand, the complement: MLH3 is on the minus strand). VCF-style: chr14-75047905-T-A. GRCh37 (hg19) VCF-style: chr14-75514608-T-A.
Other names: c.1751A>T, p.Lys584Ile (NM_014381.3); short protein forms K584I.
Identifiers: ClinVar variation 3873513 (VCV003873513.1).